The following is an entry in ClinVar:

ClinVar aggregate classification (germline): Pathogenic (1 of 4 stars; one submission).

Conditions:
Familial cancer of breast. Also called: Hereditary breast cancer; BREAST CANCER, FAMILIAL; hereditary breast carcinoma. Identifiers: Orphanet 227535, MedGen C0346153, MONDO:0016419, OMIM 114480. Disease mechanism: loss of function.

Submission:

Myriad Genetics, Inc.
Classification: Pathogenic for Familial cancer of breast. Last evaluated: 2025-12-11. Review status: criteria provided, single submitter. Criteria: Myriad Autosomal Dominant, Autosomal Recessive and X-Linked Classification Criteria (2023). Collection method: clinical testing. Allele origin: unknown.
Comment: This variant is considered pathogenic. This variant creates a frameshift predicted to result in premature protein truncation.

NM_000051.4(ATM):c.4173_4174delinsTTTA (p.Tyr1392fs)

Gene: ATM (ATM serine/threonine kinase; plus strand). Cytogenetic location: 11q22.3.
Variant type: Indel.
Coding change: c.4173_4174delinsTTTA on transcript NM_000051.4 (MANE Select); coding-DNA positions 4173 to 4174, CT replaced by TTTA.
Protein change: p.Tyr1392fs; shifts the reading frame from tyrosine 1392.
Molecular consequence: frameshift variant.
Genome position (GRCh38, 1-based): chr11:108,289,040-108,289,041, CT replaced by TTTA. VCF-style: chr11-108289040-CT-TTTA. GRCh37 (hg19) VCF-style: chr11-108159767-CT-TTTA.
Other names: c.4173_4174delinsTTTA, p.Tyr1392fs (NM_001351834.2); short protein forms Y1392fs.
Identifiers: ClinVar variation 4813017 (VCV004813017.1).